The following is an entry in ClinVar:

ClinVar aggregate classification (germline): Conflicting classifications of pathogenicity. Review status: criteria provided, conflicting classifications (1 of 4 stars). 18 submissions from 18 submitters: Likely pathogenic (1); Uncertain significance (13); Likely benign (1). 3 of the submissions do not count toward it. Last evaluated 2026-07-06.

Conditions:
SMPD1-related disorder. Also called: SMPD1-related condition.
Inborn genetic diseases. Identifiers: MedGen C0950123, MeSH D030342.
Niemann-Pick disease, type A. Also called: Infantile Neurovisceral ASMD (Niemann-Pick Disease Type A; NPD-A); SPHINGOMYELIN LIPIDOSIS; SPHINGOMYELINASE DEFICIENCY. Identifiers: Orphanet 77292, MedGen C0268242, MONDO:0009756, OMIM 257200. Disease mechanism: loss of function.
Niemann-Pick disease, type B. Also called: Chronic Visceral ASMD (Niemann-Pick Disease Type B; NPD-B). Identifiers: Orphanet 77293, MedGen C0268243, MONDO:0011871, OMIM 607616. Disease mechanism: loss of function.
Sphingomyelin/cholesterol lipidosis. Also called: Niemann-Pick disease. Identifiers: MedGen C0028064, MONDO:0001982.

Allele frequency attached by ClinVar (database versions not stated): 1000 Genomes Project 30x 0.00016; 1000 Genomes Project 0.00020; TOPMed 0.00140; ESP Exome Variant Server 0.00169.
gnomAD v4.1: 2,884 of 1,614,214 alleles (0.18%); highest among the groups gnomAD compares: Non-Finnish European, 0.23%; 3 homozygotes.

Submissions 1 to 11 of 18:

PreventionGenetics, part of Exact Sciences
Classification: Uncertain significance for SMPD1-related condition. Last evaluated: 2026-07-06. Review status: criteria provided, single submitter. Criteria: ACMG Guidelines, 2015. Collection method: clinical testing. Allele origin: germline.
Comment: The SMPD1 c.872G>A variant is predicted to result in the amino acid substitution p.Arg291His. This variant is also referred to as R289H in the literature. It has been reported in the homozygous state or with a second SMPD1 variant in individuals with Niemann-Pick disease type B, including two siblings (see, for example: Simonaro et al. 2002. PubMed ID: 12369017; Supplementary Table 1, Reunert et al. 2016. PubMed ID: 26981555; Table S2, Kuchar et al. 2017. PubMed ID: 28259515; Hickey and Baker. 2024. PubMed ID: 38992987). One affected individual who carried a second SMPD1 variant also had a homozygous 24 base pair duplication in the CHIT1 gene (Lipiński et al. 2019. PubMed ID: 30795770). This variant has also been reported in the heterozygous state in individuals with Parkinson disease, although one of these individuals also carried a heterozygous GBA1 variant (Table S3, Robak et al. 2017. PubMed ID: 29140481; Alcalay et al. 2019. PubMed ID: 30788890; Szlepák et al. 2024. PubMed ID: 38153678). This variant is reported in 0.22% of alleles in individuals of European (Non-Finnish) descent in gnomAD v2, and in gnomAD v4, three homozygotes are reported. At this time, the clinical significance of this variant is uncertain due to the absence of conclusive functional and genetic evidence.

CeGaT Center for Human Genetics Tuebingen
Classification: Likely benign. Last evaluated: 2026-07-01. Review status: criteria provided, single submitter. Criteria: CeGaT Center For Human Genetics Tuebingen Variant Classification Criteria Version 2. Collection method: clinical testing. Allele origin: germline. Affected: yes. Observed: 1 variant allele.
Comment: SMPD1: PM2:Supporting, BS2

Women's Health and Genetics/Laboratory Corporation of America, LabCorp
Classification: Uncertain significance. Last evaluated: 2026-01-19. Review status: criteria provided, single submitter. Criteria: LabCorp Variant Classification Summary - May 2015. Collection method: clinical testing. Allele origin: germline.
Comment: Variant summary: SMPD1 c.872G>A (p.Arg291His) results in a non-conservative amino acid change located in the Calcineurin-like phosphoesterase domain, ApaH type of the encoded protein sequence. Algorithms developed to predict the effect of missense changes on protein structure and function are either unavailable or do not agree on the potential impact of this missense change. The variant allele was found at a frequency of 0.0018 in 1614214 control chromosomes, predominantly at a frequency of 0.0023 within the Non-Finnish European subpopulation in the gnomAD database, including 3 homozygotes. The observed variant frequency within Non-Finnish European control individuals in the gnomAD database exceeds the estimated maximal expected allele frequency for disease-causing variants in SMPD1. c.872G>A has been reported in the literature in the presumed compound heterozygous or homozygous state in multiple individuals affected with Niemann-Pick disease type B and Parkinsons disease (Alcalay_2019, Kirkegaard_2010, Pavlu-Pereira_2005, Reunert_2016, Simonaro_2002, Zampieri_2015, Lipinski_2019, Wasserstein_2006, Scrima_2024, Hickey_2024, Eskes_2025), however it was found to segregate with disease across only 2 related individuals (Reunert_2016). Fibroblasts from patients with this variant along with a pathogenic variant had enzyme activity which varied between 10-50% of wild-type (Pavlu-Pereira_2005, Kirkegaard_2010), however the variant was not tested in isolation and in one patient where the 2nd variant was a known null allele likely in trans based on familial testing, the calculated allele-specific activity was approximately equivalent to wild type levels (Hickey_2024). The following publications have been ascertained in the context of this evaluation (PMID: 30788890, 39177062, 28590786, 38992987, 20111001, 30795770, 15877209, 26981555, 38782304, 12369017, 17011332, 26499107). ClinVar contains an entry for this variant (Variation ID: 195085). Based on the evidence outlined above, the variant was classified as VUS-possibly benign.

GeneDx
Classification: Likely pathogenic. Last evaluated: 2025-07-19. Review status: criteria provided, single submitter. Criteria: GeneDx Variant Classification Process June 2021. Collection method: clinical testing. Allele origin: germline. Affected: yes.
Comment: Observed as homozygous or with a second variant in SMPD1 multiple unrelated individuals with a clinical and biochemical diagnosis of chronic visceral ASMD (PMID: 12369017, 15877209, 26499107, 30795770, 39177062); In silico analysis supports that this missense variant has a deleterious effect on protein structure/function; Also known as p.(R289H); This variant is associated with the following publications: (PMID: 26981555, 30788890, 29140481, 26499107, 30795770, 34426522, 38153678, 38866761, 17011332, 39177062, 14681755, 12369017, 15877209, 20111001, 29556840, 28590786, 28259515, 38992987)

Mayo Clinic Laboratories, Mayo Clinic
Classification: Uncertain significance. Last evaluated: 2025-05-22. Review status: criteria provided, single submitter. Criteria: ACMG Guidelines, 2015. Collection method: clinical testing. Allele origin: germline. Observed: 1 variant allele.
Comment: PP3, PP4, PM3

Dasa
Classification: Uncertain significance. Last evaluated: 2025-05-07. Review status: criteria provided, single submitter. Criteria: DASA Assertion Criteria. Collection method: clinical testing. Allele origin: germline.
Comment: NM_000543.5(SMPD1):c.872G>A (p.Arg291His) is a missense variant that results in the substitution of arginine with histidine. The affected residue or protein region has prior evidence supporting clinical relevance. This variant has been recurrently observed in individuals with SMPD1-related disorders (PMID: 39177062; PMID: 12369017; PMID: 20111001). Also, this variant is rare in population databases. Computational prediction algorithms are consistent with a deleterious effect. The currently available literature and clinical evidence are not sufficient to establish a definitive association between this variant and the reported condition. Therefore, this variant is classified as a variant of uncertain significance.

Revvity Omics, Revvity
Classification: Uncertain significance. Last evaluated: 2025-03-21. Review status: criteria provided, single submitter. Criteria: ACMG Guidelines, 2015. Collection method: clinical testing. Allele origin: germline.

Blueprint Genetics
Classification: Uncertain significance. Last evaluated: 2024-11-25. Review status: criteria provided, single submitter. Criteria: ACMG Guidelines, 2015. Collection method: clinical testing. Allele origin: germline.

Greenwood Genetic Center Diagnostic Laboratories, Greenwood Genetic Center
Classification: Uncertain significance. Last evaluated: 2023-09-25. Review status: criteria provided, single submitter. Criteria: ACMG Guidelines, 2015. Collection method: clinical testing. Allele origin: germline. Affected: yes.
Comment: PS3_Supporting, PM3_Supporting, PP1, PP3

Labcorp Genetics (formerly Invitae), Labcorp
Classification: Uncertain significance for Niemann-Pick disease, type B; Niemann-Pick disease, type A. Last evaluated: 2022-07-06. Review status: criteria provided, single submitter. Criteria: Invitae Variant Classification Sherloc (09022015). Collection method: clinical testing. Allele origin: germline.
Comment: This sequence change replaces arginine, which is basic and polar, with histidine, which is basic and polar, at codon 291 of the SMPD1 protein (p.Arg291His). This variant is present in population databases (rs1803161, gnomAD 0.2%). This missense change has been observed in individual(s) with Niemann-Pick disease (PMID: 12369017, 26499107, 30795770). This variant is also known as R289H. ClinVar contains an entry for this variant (Variation ID: 195085). Advanced modeling of protein sequence and biophysical properties (such as structural, functional, and spatial information, amino acid conservation, physicochemical variation, residue mobility, and thermodynamic stability) performed at Invitae indicates that this missense variant is expected to disrupt SMPD1 protein function. In summary, the available evidence is currently insufficient to determine the role of this variant in disease. Therefore, it has been classified as a Variant of Uncertain Significance.

Ambry Genetics
Classification: Uncertain significance for Inborn genetic diseases. Last evaluated: 2021-10-21. Review status: criteria provided, single submitter. Criteria: Ambry Variant Classification Scheme 2023. Collection method: clinical testing. Allele origin: germline.

NM_000543.5(SMPD1):c.872G>A (p.Arg291His)

Gene: SMPD1 (sphingomyelin phosphodiesterase 1; plus strand). Cytogenetic location: 11p15.4.
Variant type: single nucleotide variant.
Coding change: c.872G>A on transcript NM_000543.5 (MANE Select); coding-DNA position 872, G replaced by A.
Protein change: p.Arg291His; replaces arginine 291 with histidine.
Molecular consequence: missense variant. On other transcripts: 5 prime UTR variant (1), non-coding transcript variant (1).
Genome position (GRCh38, 1-based): chr11:6,391,937, G>A. VCF-style: chr11-6391937-G-A. GRCh37 (hg19) VCF-style: chr11-6413167-G-A.
Other names: c.869G>A, p.Arg290His (NM_001007593.3); c.872G>A, p.Arg291His (NM_001318087.2, NM_001365135.2); c.-90G>A (NM_001318088.2); short protein forms R291H, R290H.
Identifiers: ClinVar variation 195085 (VCV000195085.46), dbSNP rs1803161, ClinGen allele CA241360.